The following is an entry in ClinVar:

NM_006978.3(RNF113A):c.30G>A (p.Ala10=)

Genes: RNF113A (ring finger protein 113A; minus strand), LOC130068621 (ATAC-STARR-seq lymphoblastoid active region 29902; plus strand). Cytogenetic location: Xq24.
Variant type: single nucleotide variant.
Coding change: c.30G>A on transcript NM_006978.3 (MANE Select); coding-DNA position 30, G replaced by A.
Protein change: p.Ala10=; no amino-acid change (alanine 10 retained).
Molecular consequence: synonymous variant.
Genome position (GRCh38, 1-based): chrX:119,871,584, C>T on the plus strand (G>A on the coding strand, the complement: RNF113A is on the minus strand). VCF-style: chrX-119871584-C-T. GRCh37 (hg19) VCF-style: chrX-119005547-C-T.
Identifiers: ClinVar variation 3626558 (VCV003626558.2).

ClinVar aggregate classification (germline): Uncertain significance (1 of 4 stars; one submission).

gnomAD v4.1: 4 of 1,195,525 alleles (0.00033%); highest among the groups gnomAD compares: Non-Finnish European, 0.00045%; no homozygotes.

Submission:

Labcorp Genetics (formerly Invitae), Labcorp
Classification: Uncertain significance. Last evaluated: 2024-09-19. Review status: criteria provided, single submitter. Criteria: Invitae Variant Classification Sherloc (09022015). Collection method: clinical testing. Allele origin: germline.
Comment: This sequence change affects codon 10 of the RNF113A mRNA. It is a 'silent' change, meaning that it does not change the encoded amino acid sequence of the RNF113A protein. This variant is present in population databases (no rsID available, gnomAD 0.001%). This variant has not been reported in the literature in individuals affected with RNF113A-related conditions. Experimental studies and prediction algorithms are not available or were not evaluated, and the effect of this variant on mRNA splicing is currently unknown. In summary, the available evidence is currently insufficient to determine the role of this variant in disease. Therefore, it has been classified as a Variant of Uncertain Significance.